The following is an entry in ClinVar:

ClinVar aggregate classification (germline): Uncertain significance (1 of 4 stars; one submission).

Conditions:
KLHL24-related disorder. Also called: KLHL24-related condition.

Submission:

PreventionGenetics, part of Exact Sciences
Classification: Uncertain significance for KLHL24-related condition. Last evaluated: 2026-08-27. Review status: criteria provided, single submitter. Criteria: ACMG Guidelines, 2015. Collection method: clinical testing. Allele origin: germline.
Comment: The KLHL24 c.17G>A variant is predicted to result in the amino acid substitution p.Arg6Gln. To our knowledge, this variant has not been reported in the literature or in a large population database (gnomAD), indicating this variant is rare. At this time, the clinical significance of this variant is uncertain due to the absence of conclusive functional and genetic evidence.

NM_017644.3(KLHL24):c.920+2753G>A

Gene: KLHL24 (kelch like family member 24; plus strand). Cytogenetic location: 3q27.1.
Variant type: single nucleotide variant.
Coding change: c.920+2753G>A on transcript NM_017644.3 (MANE Select); 2753 bases into the intron after coding-DNA position 920, G replaced by A.
Molecular consequence: intron variant. On other transcripts: missense variant (2).
Genome position (GRCh38, 1-based): chr3:183,654,029, G>A. VCF-style: chr3-183654029-G-A. GRCh37 (hg19) VCF-style: chr3-183371817-G-A.
Other names: c.17G>A, p.Arg6Gln (NM_001349428.1, NM_001349429.1); c.920+2753G>A (NM_001349418.1, NM_001349424.1, NM_001349413.1 and 11 more transcripts); short protein forms R6Q.
Identifiers: ClinVar variation 4977128 (VCV004977128.1).